The following is an entry in ClinVar:

ClinVar aggregate classification (germline): Uncertain significance. Review status: criteria provided, multiple submitters, no conflicts (2 of 4 stars). 3 submissions from 3 submitters: Uncertain significance (3). Last evaluated 2025-12-14.

Conditions:
Inborn genetic diseases. Identifiers: MedGen C0950123, MeSH D030342.
3-methylglutaconic aciduria with deafness, encephalopathy, and Leigh-like syndrome (MEGDEL). Also called: SERAC1 Deficiency; MEGDEL syndrome; 3-METHYLGLUTACONIC ACIDURIA, TYPE VI. Identifiers: Orphanet 352328, MedGen C4040739, MONDO:0013875, OMIM 614739.
SERAC1-related disorder. Also called: SERAC1-related disorders; SERAC1-related condition.

Allele frequency attached by ClinVar (database versions not stated): TOPMed 0.00006; gnomAD 0.00007 and 0.00008; gnomAD exomes 0.00007 and 0.00011; ExAC 0.00009; ESP Exome Variant Server 0.00015; 1000 Genomes Project 30x 0.00016; 1000 Genomes Project 0.00020.
gnomAD v4.1: 169 of 1,614,022 alleles (0.01%); highest among the groups gnomAD compares: Non-Finnish European, 0.013%; no homozygotes.

Submissions (3):

PreventionGenetics, part of Exact Sciences
Classification: Uncertain significance for SERAC1-related condition. Last evaluated: 2025-12-14. Review status: criteria provided, single submitter. Criteria: ACMG Guidelines, 2015. Collection method: clinical testing. Allele origin: germline.
Comment: The SERAC1 c.418A>G variant is predicted to result in the amino acid substitution p.Ser140Gly. To our knowledge, this variant has not been reported in the literature. This variant is reported in 0.012% of alleles in individuals of European (Non-Finnish) descent in gnomAD. At this time, the clinical significance of this variant is uncertain due to the absence of conclusive functional and genetic evidence.

Ambry Genetics
Classification: Uncertain significance for Inborn genetic diseases. Last evaluated: 2025-04-14. Review status: criteria provided, single submitter. Criteria: Ambry Variant Classification Scheme 2023. Collection method: clinical testing. Allele origin: germline.

Labcorp Genetics (formerly Invitae), Labcorp
Classification: Uncertain significance for 3-methylglutaconic aciduria with deafness, encephalopathy, and Leigh-like syndrome. Last evaluated: 2025-01-06. Review status: criteria provided, single submitter. Criteria: Invitae Variant Classification Sherloc (09022015). Collection method: clinical testing. Allele origin: germline.
Comment: This sequence change replaces serine, which is neutral and polar, with glycine, which is neutral and non-polar, at codon 140 of the SERAC1 protein (p.Ser140Gly). This variant is present in population databases (rs370340688, gnomAD 0.01%). This variant has not been reported in the literature in individuals affected with SERAC1-related conditions. ClinVar contains an entry for this variant (Variation ID: 864616). Invitae Evidence Modeling of protein sequence and biophysical properties (such as structural, functional, and spatial information, amino acid conservation, physicochemical variation, residue mobility, and thermodynamic stability) indicates that this missense variant is not expected to disrupt SERAC1 protein function with a negative predictive value of 80%. In summary, the available evidence is currently insufficient to determine the role of this variant in disease. Therefore, it has been classified as a Variant of Uncertain Significance.

NM_032861.4(SERAC1):c.418A>G (p.Ser140Gly)

Gene: SERAC1 (serine active site containing 1; minus strand). Cytogenetic location: 6q25.3.
Variant type: single nucleotide variant.
Coding change: c.418A>G on transcript NM_032861.4 (MANE Select); coding-DNA position 418, A replaced by G.
Protein change: p.Ser140Gly; replaces serine 140 with glycine.
Molecular consequence: missense variant. On other transcripts: non-coding transcript variant (1).
Genome position (GRCh38, 1-based): chr6:158,146,851, T>C on the plus strand (A>G on the coding strand, the complement: SERAC1 is on the minus strand). VCF-style: chr6-158146851-T-C. GRCh37 (hg19) VCF-style: chr6-158567883-T-C.
Other names: short protein forms S140G.
Identifiers: ClinVar variation 864616 (VCV000864616.9), dbSNP rs370340688, ClinGen allele CA4071370.
Genomic context (GRCh38, chr6:158,146,851, plus strand): 5'-GATGGGTCTCCGACATTTCCCGCACAGCCTCGAGTCGCGTGGTTTTGTCATCTGACTTGC[T>C]CTTCCGTAGGAGCAGCCACACAGCACACTCATGATCTTCTATATCAACTGTACTAAAAGG-3'
Protein context (NP_116250.3, residues 130-150): ECAVWLLLRK[Ser140Gly]KSDDKTTRLE